The following is an entry in ClinVar:

NM_005359.6(SMAD4):c.91G>C (p.Glu31Gln)

Gene: SMAD4 (SMAD family member 4; plus strand). Cytogenetic location: 18q21.2.
Variant type: single nucleotide variant.
Coding change: c.91G>C on transcript NM_005359.6 (MANE Select); coding-DNA position 91, G replaced by C.
Protein change: p.Glu31Gln; replaces glutamic acid 31 with glutamine.
Molecular consequence: missense variant. On other transcripts: non-coding transcript variant (2).
Genome position (GRCh38, 1-based): chr18:51,047,137, G>C. VCF-style: chr18-51047137-G-C. GRCh37 (hg19) VCF-style: chr18-48573507-G-C.
Other names: c.91G>C, p.Glu31Gln (NM_001407041.1, NM_001407042.1, NM_001407043.1); short protein forms E31Q.
Identifiers: ClinVar variation 3074965 (VCV003074965.1), dbSNP rs1909568048, ClinGen allele CA402457581.

ClinVar aggregate classification (germline): Uncertain significance (1 of 4 stars; one submission).

Conditions:
Juvenile polyposis/hereditary hemorrhagic telangiectasia syndrome (JPHT). Also called: Juvenile Polyposis Syndrome / Hereditary Hemorrhagic Telangiectasia (JPS/HHT); JP/HHT SYNDROME; JUVENILE POLYPOSIS WITH HEREDITARY HEMORRHAGIC TELANGIECTASIA; POLYPOSIS, GENERALIZED JUVENILE, WITH PULMONARY ARTERIOVENOUS MALFORMATION; TELANGIECTASIA, HEREDITARY HEMORRHAGIC, WITH JUVENILE POLYPOSIS COLI. Identifiers: Orphanet 2929, MedGen C1832942, MONDO:0008278, OMIM 175050.

Submission:

All of Us Research Program, National Institutes of Health
Classification: Uncertain significance for Juvenile polyposis/hereditary hemorrhagic telangiectasia syndrome. Last evaluated: 2024-01-11. Review status: criteria provided, single submitter. Criteria: ACMG Guidelines, 2015. Collection method: clinical testing. Allele origin: germline. Inheritance: Autosomal dominant inheritance. Observed: 1 variant allele, 1 heterozygote.
Comment: This study involves interpretation of variants in research participants for the purpose of population health screening. Participant phenotype was not available at the time of variant classification. Additional details can be found in publication PMID: 35346344, PMCID: PMC8962531